The following is an entry in ClinVar:

NM_003545.4(H4C5):c.98C>T (p.Pro33Leu)

Genes: H4C5 (H4 clustered histone 5; plus strand), LOC129996027 (ATAC-STARR-seq lymphoblastoid active region 24208; plus strand). Cytogenetic location: 6p22.2.
Variant type: single nucleotide variant.
Coding change: c.98C>T on transcript NM_003545.4 (MANE Select); coding-DNA position 98, C replaced by T.
Protein change: p.Pro33Leu; replaces proline 33 with leucine.
Molecular consequence: missense variant.
Genome position (GRCh38, 1-based): chr6:26,204,742, C>T. VCF-style: chr6-26204742-C-T. GRCh37 (hg19) VCF-style: chr6-26204970-C-T.
Other names: c.98C>T (NM_003545.3); short protein forms P33L.
Identifiers: ClinVar variation 2170147 (VCV002170147.7), dbSNP rs2480784697, ClinGen allele CA363200590.

ClinVar aggregate classification (germline): Pathogenic/Likely pathogenic. Review status: criteria provided, multiple submitters, no conflicts (2 of 4 stars). 3 submissions from 3 submitters: Pathogenic (1); Likely pathogenic (2). Last evaluated 2026-04-02.

Conditions:
Tessadori-Van Haaften neurodevelopmental syndrome 3 (TEBIVANED3). Identifiers: MedGen C5774310, MONDO:0030993, OMIM 619950.

Submissions (3):

Victorian Clinical Genetics Services, Murdoch Childrens Research Institute
Classification: Pathogenic for Tessadori-Van Haaften neurodevelopmental syndrome 3. Last evaluated: 2026-04-02. Review status: criteria provided, single submitter. Criteria: ACMG Guidelines, 2015. Collection method: clinical testing. Allele origin: germline. Affected: yes.
Comment: This variant is classified as Pathogenic. Evidence in support of pathogenic classification: Variant is absent from gnomAD (v2, v3 and v4); This variant has moderate previous evidence of pathogenicity in unrelated individuals. This variant has been classified as likely pathogenic by clinical laboratories in ClinVar, including as de novo. This variant was also reported as de novo in a cohort of individuals with neurodevelopmental disorders (PMID: 36350923). Additionally, the same amino acid change p.(Pro33Leu) has been reported in the paralogous gene H4C3 as de novo in individuals with neurodevelopmental disorders (PMID: 35202563); Another missense variant comparable to the one identified in this case has limited previous evidence for pathogenicity. The p.(Pro33Arg) variant has been reported in the literature as de novo in an individual with a neurodevelopmental disorder (PMID: 35202563); Additional information: Variant is predicted to result in a missense amino acid change from Pro to Leu; This variant is heterozygous; This gene is associated with autosomal dominant disease; Alternative amino acid change(s) at the same position are present in gnomAD (highest allele count: v4: 1 heterozygote(s), 0 homozygote(s)); No published evidence of segregation with disease has been identified for this variant; No published functional evidence has been identified for this variant; Variant is located in the annotated centromere kinetochore component CENP-T histone fold domain (DECIPHER). - Missense variant with inconclusive in silico prediction and/or uninformative conservation; The mechanism of disease for this gene is not clearly established; Variants in this gene are known to have variable expressivity. Highly variable phenotypes have been reported (OMIM, PMID: 35202563).

Ambry Genetics
Classification: Likely pathogenic. Last evaluated: 2023-07-27. Review status: criteria provided, single submitter. Criteria: Ambry Variant Classification Scheme 2023. Collection method: clinical testing. Allele origin: germline.
Comment: The c.98C>T (p.P33L) alteration is located in exon 1 (coding exon 1) of the HIST1H4E gene. This alteration results from a C to T substitution at nucleotide position 98, causing the proline (P) at amino acid position 33 to be replaced by a leucine (L). This variant was not reported in population-based cohorts in the Genome Aggregation Database (gnomAD). Another alteration at the same codon, H4C5 c.98C>G (p.P33R), has been reported de novo in an individual with features consistent with H4C5-related Tessadori-van Haaften neurodevelopmental syndrome (Tessadori, 2022). The same alteration in a paralogous gene, H4C3 c.98C>T (p.P33L), has been reported de novo in two individuals with features consistent with H4C3-related Tessadori-van Haaften neurodevelopmental syndrome (Tessadori, 2022). This amino acid position is highly conserved in available vertebrate species. The in silico prediction for this alteration is inconclusive. Based on the available evidence, this alteration is classified as likely pathogenic.

Labcorp Genetics (formerly Invitae), Labcorp
Classification: Likely pathogenic. Last evaluated: 2022-08-15. Review status: criteria provided, single submitter. Criteria: Invitae Variant Classification Sherloc (09022015). Collection method: clinical testing. Allele origin: germline.
Comment: Algorithms developed to predict the effect of missense changes on protein structure and function (SIFT, PolyPhen-2, Align-GVGD) all suggest that this variant is likely to be disruptive. In summary, the currently available evidence indicates that the variant is pathogenic, but additional data are needed to prove that conclusively. Therefore, this variant has been classified as Likely Pathogenic. This missense change has been observed in individual(s) with clinical features of HIST1H4E-related conditions (Invitae). In at least one individual the variant was observed to be de novo. This variant is not present in population databases (gnomAD no frequency). This sequence change replaces proline, which is neutral and non-polar, with leucine, which is neutral and non-polar, at codon 33 of the HIST1H4E protein (p.Pro33Leu).

Literature cited by the submitters: PubMed 35202563 (cited by Victorian Clinical Genetics Services, Murdoch Childrens Research Institute and Ambry Genetics); PubMed 36350923 (cited by Victorian Clinical Genetics Services, Murdoch Childrens Research Institute).